The following is an entry in ClinVar:

ClinVar aggregate classification (germline): Uncertain significance (1 of 4 stars; one submission).

Submission:

Labcorp Genetics (formerly Invitae), Labcorp
Classification: Uncertain significance. Last evaluated: 2025-09-23. Review status: criteria provided, single submitter. Criteria: Invitae Variant Classification Sherloc (09022015). Collection method: clinical testing. Allele origin: germline.
Comment: This sequence change replaces glycine, which is neutral and non-polar, with aspartic acid, which is acidic and polar, at codon 43 of the CAPN5 protein (p.Gly43Asp). This variant is present in population databases (rs781940282, gnomAD 0.0009%). This variant has not been reported in the literature in individuals affected with CAPN5-related conditions. Invitae Evidence Modeling of protein sequence and biophysical properties (such as structural, functional, and spatial information, amino acid conservation, physicochemical variation, residue mobility, and thermodynamic stability) indicates that this missense variant is not expected to disrupt CAPN5 protein function with a negative predictive value of 80%. In summary, the available evidence is currently insufficient to determine the role of this variant in disease. Therefore, it has been classified as a Variant of Uncertain Significance.

NM_004055.5(CAPN5):c.128G>A (p.Gly43Asp)

Gene: CAPN5 (calpain 5; plus strand). Cytogenetic location: 11q13.5.
Variant type: single nucleotide variant.
Coding change: c.128G>A on transcript NM_004055.5 (MANE Select); coding-DNA position 128, G replaced by A.
Protein change: p.Gly43Asp; replaces glycine 43 with aspartic acid.
Molecular consequence: missense variant. On other transcripts: non-coding transcript variant (1).
Genome position (GRCh38, 1-based): chr11:77,085,014, G>A. VCF-style: chr11-77085014-G-A. GRCh37 (hg19) VCF-style: chr11-76796060-G-A.
Other names: c.128G>A, p.Gly43Asp (NM_001425321.1, NM_001425322.1, NM_001425323.1); short protein forms G43D.
Identifiers: ClinVar variation 4781513 (VCV004781513.1).
Genomic context (GRCh38, chr11:77,085,014, plus strand): 5'-GGAAGGTGCTCTTCGAGGACCCCCTCTTCCCCGCCACTGACGACTCACTCTACTATAAGG[G>A]CACGCCGGGGCCCGCCGTCAGGTGGAAGCGACCCAAGGTCAGTGTCTGGTCCCAGCTGGA-3'
Protein context (NP_004046.2, residues 33-53): PATDDSLYYK[Gly43Asp]TPGPAVRWKR